The following is an entry in ClinVar:

ClinVar aggregate classification (germline): Pathogenic. Review status: practice guideline (4 of 4 stars). 36 submissions from 32 submitters: Pathogenic (1). 35 of the submissions do not count toward it. Last evaluated 2004-03-03.

Conditions:
Cystic fibrosis diagnostic test.
CFTR-related disorder (CFTR-RD). Also called: CFTR-related disorders; CFTR-related condition. Identifiers: MedGen C5924204, MONDO:7770004.
Congenital bilateral aplasia of vas deferens from CFTR mutation (CBAVD). Identifiers: Orphanet 48, MedGen C0403814, MONDO:0010178, OMIM 277180. Disease mechanism: loss of function.
Cystic fibrosis (CF). Also called: MUCOVISCIDOSIS. Identifiers: Orphanet 586, MedGen C0010674, MONDO:0009061, OMIM 219700. Disease mechanism: loss of function.
Bronchiectasis with or without elevated sweat chloride 1 (BESC1). Also called: Cystic Fibrosis-Like Syndrome. Identifiers: Orphanet 60033, MedGen C2749757, MONDO:0008887, OMIM 211400.
Hereditary pancreatitis (PCTT). Also called: PRSS1-Related Hereditary Pancreatitis; Hereditary chronic pancreatitis. Identifiers: Orphanet 676, MedGen C0238339, MONDO:0008185, OMIM 167800.
ivacaftor response - Efficacy. Identifiers: MedGen CN322735.

Allele frequency attached by ClinVar (database versions not stated): ExAC 0.00014; gnomAD exomes 0.00018 and 0.00040; gnomAD 0.00022; TOPMed 0.00034.

Submissions 1 to 10 of 36:

American College of Medical Genetics and Genomics  (ACMG)
Classification: Pathogenic for Cystic fibrosis. Last evaluated: 2004-03-03. Review status: practice guideline. Criteria: Guideline for cystic fibrosis carrier screening. Collection method: curation. Allele origin: germline. Inheritance: Autosomal recessive inheritance. Study: The ACMG recommended carrier screening panel.
ClinVar note: Converted during submission from pathogenic to Pathogenic.

ClinPGx
Classification: drug response for ivacaftor response - Efficacy. Last evaluated: 2021-03-24. Review status: reviewed by expert panel. Criteria: Pharmacogenomics knowledge for personalized medicine. Collection method: curation. Allele origin: germline. Affected: yes. Not counted in ClinVar's aggregate classification.
Comment: PharmGKB Level of Evidence 1A: Level 1A clinical annotations describe variant-drug combinations that have variant-specific prescribing guidance available in a current clinical guideline annotation or an FDA-approved drug label annotation. Annotations of drug labels or clinical guidelines must give prescribing guidance for specific variants (e.g. CYP2C9*3, HLA-B*57:01) or provide mapping from defined allele functions to diplotypes and phenotypes to be used as supporting evidence for a level 1A clinical annotation. Level 1A clinical annotations must also be supported by at least one publication in addition to a clinical guideline or drug label with variant-specific prescribing guidance.

Drug is not necessarily used to treat response condition

CFTR2
Classification: Pathogenic for Cystic fibrosis. Last evaluated: 2017-03-17. Review status: reviewed by expert panel. Criteria: Sosnay PR et al. (Nat Genet 2013). Collection method: research. Allele origin: germline. Affected: yes. Study: CFTR2. Not counted in ClinVar's aggregate classification.

NHS Central & South Genomic Laboratory Hub
Classification: Pathogenic for Cystic fibrosis diagnostic test. Last evaluated: 2026-08-06. Review status: criteria provided, single submitter. Criteria: ACMG Guidelines, 2015. Collection method: clinical testing. Allele origin: germline. Affected: yes. Not counted in ClinVar's aggregate classification.

Institute of Human Genetics, University of Leipzig Medical Center
Classification: Pathogenic for Cystic fibrosis. Last evaluated: 2026-07-07. Review status: criteria provided, single submitter. Criteria: ACMG Guidelines, 2015. Collection method: clinical testing. Allele origin: unknown. Inheritance: Autosomal recessive inheritance. Affected: yes. Not counted in ClinVar's aggregate classification.
Comment: Criteria applied: PS3_VSTR,PM5_STR,PM3_SUP,PP3,PP4; Identified as compund heterozygous with NM_000492.4:c.2012del

Victorian Clinical Genetics Services, Murdoch Childrens Research Institute
Classification: Pathogenic for Cystic fibrosis. Last evaluated: 2026-07-03. Review status: criteria provided, single submitter. Criteria: ACMG Guidelines, 2015. Collection method: clinical testing. Allele origin: germline. Affected: no. Not counted in ClinVar's aggregate classification.
Comment: This variant is classified as Pathogenic. Evidence in support of pathogenic classification: Variant is present in gnomAD (v2) <0.01 for a recessive condition (51 heterozygotes, 0 homozygotes); This variant has strong previous evidence of pathogenicity in unrelated individuals. This variant has been reported as CF-causing with treatment option available (PMID: 28711222, LOVD, ClinVar); This variant has strong functional evidence supporting abnormal protein function. Functional studies showed less than 10% chloride channel conductance compared to wild-type (PMID: 23974870); Missense variant consistently predicted to be damaging by multiple in silico tools and very highly conserved with a moderate amino acid change. Additional information: Variant is predicted to result in a missense amino acid change from glycine to aspartic acid; This variant is heterozygous; This gene is associated with autosomal recessive disease; Multiple alternative amino acid changes at the same position have been observed in gnomAD v2 (highest allele count: 1 heterozygote, 0 homozygotes); Variant is located in the annotated ABC transporter (DECIPHER); Loss of function is a known mechanism of disease in this gene and is associated with cystic fibrosis (MIM#219700).

PreventionGenetics, part of Exact Sciences
Classification: Pathogenic for CFTR-related condition. Last evaluated: 2026-06-04. Review status: criteria provided, single submitter. Criteria: ACMG Guidelines, 2015. Collection method: clinical testing. Allele origin: germline. Not counted in ClinVar's aggregate classification.
Comment: The CFTR c.1652G>A variant is predicted to result in the amino acid substitution p.Gly551Asp. This variant has been reported to be causative for cystic fibrosis with or without pancreatic insufficiency (Kerem et al. 1990. PubMed ID: 2236053; Ooi and Durie. 2012. PubMed ID: 22658665). Functional studies show this variant results in reduced CFTR-related chloride transport compared to control (Jovov et al. 1995. PubMed ID: 7493947; Fulmer et al. 1995. PubMed ID: 7542778; Delaney et al. 1996. PubMed ID: 8605891). This variant is reported in 0.040% of alleles in individuals of European (non-Finnish) descent in gnomAD, and it is classified as pathogenic in the ClinVar database (Variation ID: 7120). This variant is interpreted as pathogenic.

Labcorp Genetics (formerly Invitae), Labcorp
Classification: Pathogenic for Cystic fibrosis. Last evaluated: 2026-02-04. Review status: criteria provided, single submitter. Criteria: Invitae Variant Classification Sherloc (09022015). Collection method: clinical testing. Allele origin: germline. Not counted in ClinVar's aggregate classification.
Comment: This sequence change replaces glycine, which is neutral and non-polar, with aspartic acid, which is acidic and polar, at codon 551 of the CFTR protein (p.Gly551Asp). This variant is present in population databases (rs75527207, gnomAD 0.04%). This missense change has been observed in individual(s) with cystic fibrosis (PMID: 1379413, 1695717, 2236053, 19734299, 22658665, 23974870, 24066763). In at least one individual the data is consistent with being in trans (on the opposite chromosome) from a pathogenic variant. ClinVar contains an entry for this variant (Variation ID: 7120). Invitae Evidence Modeling of protein sequence and biophysical properties (such as structural, functional, and spatial information, amino acid conservation, physicochemical variation, residue mobility, and thermodynamic stability) indicates that this missense variant is expected to disrupt CFTR protein function with a positive predictive value of 80%. Experimental studies have shown that this missense change affects CFTR function (PMID: 7493947, 7542778, 8605891). For these reasons, this variant has been classified as Pathogenic.

Natera, Inc.
Classification: Pathogenic for CFTR-related disorders. Last evaluated: 2025-07-07. Review status: criteria provided, single submitter. Criteria: Natera Variant Classification Schema (03/2026). Collection method: clinical testing. Allele origin: germline. Not counted in ClinVar's aggregate classification.
Comment: The c.1652G>A variant in CFTR is a missense variant predicted to cause substitution of glycine to aspartic acid at amino acid 551. This variant is rare in the general population with a frequency below the threshold expected for the associated phenotype(s). This variant has been observed in one or more individuals affected with the associated recessive disease, as either homozygous or compound heterozygous with a second variant (PMID: 35258175, 10923036, 10229049). Given the available evidence, this variant is classified as Pathogenic.

CeGaT Center for Human Genetics Tuebingen
Classification: Pathogenic. Last evaluated: 2025-07-01. Review status: criteria provided, single submitter. Criteria: CeGaT Center For Human Genetics Tuebingen Variant Classification Criteria Version 2. Collection method: clinical testing. Allele origin: germline. Affected: yes. Observed: 1 variant allele. Not counted in ClinVar's aggregate classification.
Comment: CFTR: PM3:Very Strong, PM5, PM2:Supporting, PP3, PS3:Supporting

NM_000492.4(CFTR):c.1652G>A (p.Gly551Asp)

Genes: CFTR (CF transmembrane conductance regulator; plus strand), LOC111674475 (CFTR intron 11 enhancer; plus strand). Cytogenetic location: 7q31.2.
Variant type: single nucleotide variant.
Coding change: c.1652G>A on transcript NM_000492.4 (MANE Select); coding-DNA position 1652, G replaced by A.
Protein change: p.Gly551Asp; replaces glycine 551 with aspartic acid.
Molecular consequence: missense variant.
Genome position (GRCh38, 1-based): chr7:117,587,806, G>A. VCF-style: chr7-117587806-G-A. GRCh37 (hg19) VCF-style: chr7-117227860-G-A.
Other names: short protein forms G551D.
Identifiers: ClinVar variation 7120 (VCV000007120.159), dbSNP rs75527207, ClinGen allele CA340634.
Genomic context (GRCh38, chr7:117,587,806, plus strand): 5'-CCAAGTTTGCAGAGAAAGACAATATAGTTCTTGGAGAAGGTGGAATCACACTGAGTGGAG[G>A]TCAACGAGCAAGAATTTCTTTAGCAAGGTGAATAACTAATTATTGGTCTAGCAAGCATTT-3'
Protein context (NP_000483.3, residues 541-561): LGEGGITLSG[Gly551Asp]QRARISLARA